The following is an entry in ClinVar:

NM_001371596.2(MFSD8):c.821T>C (p.Val274Ala)

Gene: MFSD8 (major facilitator superfamily domain containing 8; minus strand). Cytogenetic location: 4q28.2.
Variant type: single nucleotide variant.
Coding change: c.821T>C on transcript NM_001371596.2 (MANE Select); coding-DNA position 821, T replaced by C.
Protein change: p.Val274Ala; replaces valine 274 with alanine.
Molecular consequence: missense variant.
Genome position (GRCh38, 1-based): chr4:127,933,027, A>G on the plus strand (T>C on the coding strand, the complement: MFSD8 is on the minus strand). VCF-style: chr4-127933027-A-G. GRCh37 (hg19) VCF-style: chr4-128854182-A-G.
Other names: c.620T>C, p.Val207Ala (NM_001363520.3); c.506T>C, p.Val169Ala (NM_001363521.3); c.686T>C, p.Val229Ala (NM_001371590.2); c.821T>C, p.Val274Ala (NM_001371591.2, NM_152778.4); c.827T>C, p.Val276Ala (NM_001371592.2); c.707T>C, p.Val236Ala (NM_001371593.2, NM_001410766.1); c.674T>C, p.Val225Ala (NM_001371594.2); c.539T>C, p.Val180Ala (NM_001371595.1); and 1 more; short protein forms V124A, V169A, V225A, V229A, V180A, V207A, V236A, V274A.
Identifiers: ClinVar variation 2014458 (VCV002014458.4), dbSNP rs778448039, ClinGen allele CA3077366.

ClinVar aggregate classification (germline): Uncertain significance (1 of 4 stars; one submission).

Conditions:
Neuronal ceroid lipofuscinosis 7 (CLN7). Also called: MFSD8-Related Neuronal Ceroid-Lipofuscinosis. Identifiers: Orphanet 168491, Orphanet 228366, MedGen C1838571, MONDO:0012588, OMIM 610951.

Allele frequency attached by ClinVar (database versions not stated): ExAC 0.00001.

Submission:

Labcorp Genetics (formerly Invitae), Labcorp
Classification: Uncertain significance for Neuronal ceroid lipofuscinosis 7. Last evaluated: 2022-07-06. Review status: criteria provided, single submitter. Criteria: Invitae Variant Classification Sherloc (09022015). Collection method: clinical testing. Allele origin: germline.
Comment: In summary, the available evidence is currently insufficient to determine the role of this variant in disease. Therefore, it has been classified as a Variant of Uncertain Significance. Algorithms developed to predict the effect of missense changes on protein structure and function are either unavailable or do not agree on the potential impact of this missense change (SIFT: "Deleterious"; PolyPhen-2: "Benign"; Align-GVGD: "Class C0"). This variant has not been reported in the literature in individuals affected with MFSD8-related conditions. This variant is not present in population databases (gnomAD no frequency). This sequence change replaces valine, which is neutral and non-polar, with alanine, which is neutral and non-polar, at codon 274 of the MFSD8 protein (p.Val274Ala).